The following is an entry in ClinVar:

ClinVar aggregate classification (germline): Likely benign (1 of 4 stars; one submission).

Allele frequency attached by ClinVar (database versions not stated): 1000 Genomes Project 30x 0.00219; 1000 Genomes Project 0.00240; TOPMed 0.00355; ESP Exome Variant Server 0.00496; gnomAD exomes 0.00538; gnomAD 0.00571; ExAC 0.00701.
gnomAD v4.1: 8,644 of 1,605,058 alleles (0.54%); highest among the groups gnomAD compares: Non-Finnish European, 0.53%; 54 homozygotes.

Submission:

CeGaT Center for Human Genetics Tuebingen
Classification: Likely benign. Last evaluated: 2023-10-01. Review status: criteria provided, single submitter. Criteria: CeGaT Center For Human Genetics Tuebingen Variant Classification Criteria Version 2. Collection method: clinical testing. Allele origin: germline. Affected: yes. Observed: 1 variant allele.
Comment: PRR5: BP4, BS2

NM_181333.4(PRR5):c.871G>A (p.Glu291Lys)

Genes: PRR5 (proline rich 5; plus strand), PRR5-ARHGAP8 (PRR5-ARHGAP8 readthrough; plus strand). Cytogenetic location: 22q13.31.
Variant type: single nucleotide variant.
Coding change: c.871G>A on transcript NM_181333.4 (MANE Select); coding-DNA position 871, G replaced by A.
Protein change: p.Glu291Lys; replaces glutamic acid 291 with lysine.
Molecular consequence: missense variant. On other transcripts: intron variant (1).
Genome position (GRCh38, 1-based): chr22:44,736,951, G>A. VCF-style: chr22-44736951-G-A. GRCh37 (hg19) VCF-style: chr22-45132831-G-A.
Other names: c.586G>A, p.Glu196Lys (NM_001017530.2, NM_001017529.3); c.940G>A, p.Glu314Lys (NM_001198721.2); c.844G>A, p.Glu282Lys (NM_015366.4, NM_001017528.3); c.322+10317G>A (NM_181334.6); short protein forms E196K, E282K, E291K, E314K.
Identifiers: ClinVar variation 2653275 (VCV002653275.24), dbSNP rs56299305, ClinGen allele CA10281202.